The following is an entry in ClinVar:

ClinVar aggregate classification (germline): Uncertain significance. Review status: criteria provided, multiple submitters, no conflicts (2 of 4 stars). 2 submissions from 2 submitters: Uncertain significance (2). Last evaluated 2025-06-02.

Conditions:
Hereditary cancer-predisposing syndrome. Also called: Tumor predisposition; Hereditary neoplastic syndrome; Hereditary Cancer Syndrome; Neoplastic Syndromes, Hereditary. Identifiers: Orphanet 140162, MedGen C0027672, MeSH D009386, MONDO:0015356.

Allele frequency attached by ClinVar (database versions not stated): gnomAD exomes below 0.00001.

Submissions (2):

Ambry Genetics
Classification: Uncertain significance for Hereditary cancer-predisposing syndrome. Last evaluated: 2025-06-02. Review status: criteria provided, single submitter. Criteria: Ambry Variant Classification Scheme 2023. Collection method: clinical testing. Allele origin: germline.
Comment: The p.R3Q variant (also known as c.8G>A), located in coding exon 1 of the FH gene, results from a G to A substitution at nucleotide position 8. The arginine at codon 3 is replaced by glutamine, an amino acid with highly similar properties. This amino acid position is conserved. In addition, the in silico prediction for this alteration is inconclusive. Based on the available evidence, the clinical significance of this variant remains unclear.

Labcorp Genetics (formerly Invitae), Labcorp
Classification: Uncertain significance. Last evaluated: 2025-05-07. Review status: criteria provided, single submitter. Criteria: Invitae Variant Classification Sherloc (09022015). Collection method: clinical testing. Allele origin: germline.
Comment: This sequence change replaces arginine, which is basic and polar, with glutamine, which is neutral and polar, at codon 3 of the FH protein (p.Arg3Gln). This variant is not present in population databases (gnomAD no frequency). This variant has not been reported in the literature in individuals affected with FH-related conditions. ClinVar contains an entry for this variant (Variation ID: 2985710). Invitae Evidence Modeling of protein sequence and biophysical properties (such as structural, functional, and spatial information, amino acid conservation, physicochemical variation, residue mobility, and thermodynamic stability) indicates that this missense variant is not expected to disrupt FH protein function with a negative predictive value of 95%. In summary, the available evidence is currently insufficient to determine the role of this variant in disease. Therefore, it has been classified as a Variant of Uncertain Significance.

NM_000143.4(FH):c.8G>A (p.Arg3Gln)

Gene: FH (fumarate hydratase; minus strand). Cytogenetic location: 1q43.
Variant type: single nucleotide variant.
Coding change: c.8G>A on transcript NM_000143.4 (MANE Select); coding-DNA position 8, G replaced by A.
Protein change: p.Arg3Gln; replaces arginine 3 with glutamine.
Molecular consequence: missense variant.
Genome position (GRCh38, 1-based): chr1:241,519,715, C>T on the plus strand (G>A on the coding strand, the complement: FH is on the minus strand). VCF-style: chr1-241519715-C-T. GRCh37 (hg19) VCF-style: chr1-241683015-C-T.
Other names: short protein forms R3Q.
Identifiers: ClinVar variation 2985710 (VCV002985710.4), dbSNP rs1573890051, ClinGen allele CA345443105.